The following is an entry in ClinVar:

NM_001171.6(ABCC6):c.1338+1G>T

Gene: ABCC6 (ATP binding cassette subfamily C member 6; minus strand). Cytogenetic location: 16p13.11.
Variant type: single nucleotide variant.
Coding change: c.1338+1G>T on transcript NM_001171.6 (MANE Select); the canonical splice donor site of the intron after coding-DNA position 1338, G replaced by T.
Molecular consequence: splice donor variant.
Genome position (GRCh38, 1-based): chr16:16,198,020, C>A on the plus strand (G>T on the coding strand, the complement: ABCC6 is on the minus strand). VCF-style: chr16-16198020-C-A. GRCh37 (hg19) VCF-style: chr16-16291877-C-A.
Other names: c.996+1G>T (NM_001351800.1).
Identifiers: ClinVar variation 1977538 (VCV001977538.5), dbSNP rs866852986, ClinGen allele CA278663906.

ClinVar aggregate classification (germline): Likely pathogenic (1 of 4 stars; one submission).

Allele frequency attached by ClinVar (database versions not stated): TOPMed below 0.00001; gnomAD exomes 0.00001.
gnomAD v4.1: 3 of 1,613,942 alleles (0.00019%); highest among the groups gnomAD compares: Non-Finnish European, 0.00025%; no homozygotes.

Submission:

Labcorp Genetics (formerly Invitae), Labcorp
Classification: Likely pathogenic. Last evaluated: 2022-11-15. Review status: criteria provided, single submitter. Criteria: Invitae Variant Classification Sherloc (09022015). Collection method: clinical testing. Allele origin: germline.
Comment: In summary, the currently available evidence indicates that the variant is pathogenic, but additional data are needed to prove that conclusively. Therefore, this variant has been classified as Likely Pathogenic. Algorithms developed to predict the effect of sequence changes on RNA splicing suggest that this variant may disrupt the consensus splice site. Disruption of this splice site has been observed in individual(s) with pseudoxanthoma elasticum (Invitae). This variant is present in population databases (no rsID available, gnomAD 0.0009%). This sequence change affects a donor splice site in intron 10 of the ABCC6 gene. It is expected to disrupt RNA splicing. Variants that disrupt the donor or acceptor splice site typically lead to a loss of protein function (PMID: 16199547), and loss-of-function variants in ABCC6 are known to be pathogenic (PMID: 11536079, 17617515).

Literature cited by the submitters: PubMed 16199547; PubMed 11536079; PubMed 17617515.